The following is an entry in ClinVar:

NM_006158.5(NEFL):c.268G>A (p.Glu90Lys)

Gene: NEFL (neurofilament light chain; minus strand). Cytogenetic location: 8p21.2.
Variant type: single nucleotide variant.
Coding change: c.268G>A on transcript NM_006158.5 (MANE Select); coding-DNA position 268, G replaced by A.
Protein change: p.Glu90Lys; replaces glutamic acid 90 with lysine.
Molecular consequence: missense variant.
Genome position (GRCh38, 1-based): chr8:24,956,248, C>T on the plus strand (G>A on the coding strand, the complement: NEFL is on the minus strand). VCF-style: chr8-24956248-C-T. GRCh37 (hg19) VCF-style: chr8-24813762-C-T.
Other names: short protein forms E90K.
Identifiers: ClinVar variation 66690 (VCV000066690.11), dbSNP rs58332872, ClinGen allele CA217539.

ClinVar aggregate classification (germline): Pathogenic. Review status: criteria provided, multiple submitters, no conflicts (2 of 4 stars). 5 submissions from 5 submitters: Pathogenic (4). 1 of the submissions does not count toward it. Last evaluated 2025-02-16.

Conditions:
Charcot-Marie-Tooth disease type 2E (CMT2E). Also called: CHARCOT-MARIE-TOOTH DISEASE, AXONAL, TYPE 2E; CHARCOT-MARIE-TOOTH NEUROPATHY, TYPE 2E. Identifiers: Orphanet 99939, MedGen C1843225, MONDO:0011894, OMIM 607684.

Submissions (5):

Laboratory of Genetics, Children's Clinical University Hospital Latvia
Classification: Pathogenic. Last evaluated: 2025-02-16. Review status: criteria provided, single submitter. Criteria: ACMG Guidelines, 2015. Collection method: clinical testing. Allele origin: germline. Affected: yes.

3billion
Classification: Pathogenic for Charcot-Marie-Tooth disease type 2E. Last evaluated: 2024-08-09. Review status: criteria provided, single submitter. Criteria: ACMG Guidelines, 2015. Collection method: clinical testing. Allele origin: germline. Affected: yes.
Comment: The variant is not observed in the gnomAD v4.0.0 dataset. Predicted Consequence/Location: Missense variant Functional studies provide moderate evidence of the variant having a damaging effect on the gene or gene product (PMID: 15282209). In silico tool predictions suggest damaging effect of the variant on gene or gene product [3Cnet: 0.98 (>=0.6, sensitivity 0.72 and precision 0.9)]. The same nucleotide change resulting in the same amino acid change has been previously reported as pathogenic/likely pathogenic with strong evidence (ClinVar ID: VCV000066690 /PMID: 12566280). The variant has been observed in at least two similarly affected unrelated individuals (PMID: 12566280, 19158810). The variant has been previously reported as assumed (i.e. paternity and maternity not confirmed) de novo in at least two similarly affected unrelated individuals (PMID: 12566280, 19158810). A different missense change at the same codon (p.Glu90Gly) has been reported to be associated with NEFL related disorder (PMID: 30734407). Therefore, this variant is classified as Pathogenic according to the recommendation of ACMG/AMP guideline.

GeneDx
Classification: Pathogenic. Last evaluated: 2022-08-23. Review status: criteria provided, single submitter. Criteria: GeneDx Variant Classification Process June 2021. Collection method: clinical testing. Allele origin: germline. Affected: yes.
Comment: Published functional studies demonstrate a damaging effect resulting in an inhibition to self-assemble into intermediate filaments and an accumulation of E90K in the middle segments of filaments (Perez-Olle R et al. 2004); Not observed at significant frequency in large population cohorts (gnomAD); In silico analysis supports that this missense variant has a deleterious effect on protein structure/function; This variant is associated with the following publications: (PMID: 28501821, 31574566, 31393079, 20039262, 12566280, 19158810, 30734407, 15282209)

Labcorp Genetics (formerly Invitae), Labcorp
Classification: Pathogenic for Charcot-Marie-Tooth disease type 2E. Last evaluated: 2022-08-23. Review status: criteria provided, single submitter. Criteria: Invitae Variant Classification Sherloc (09022015). Collection method: clinical testing. Allele origin: germline.
Comment: For these reasons, this variant has been classified as Pathogenic. ClinVar contains an entry for this variant (Variation ID: 66690). This variant is also known as c.265G>A (Glu89Lys). This missense change has been observed in individual(s) with Charcot-Marie-Tooth disease (PMID: 12566280, 19158810). In at least one individual the variant was observed to be de novo. This variant is not present in population databases (gnomAD no frequency). This sequence change replaces glutamic acid, which is acidic and polar, with lysine, which is basic and polar, at codon 90 of the NEFL protein (p.Glu90Lys).

Epithelial Biology;  Institute of Medical Biology, Singapore
No classification provided. Review status: no classification provided. Collection method: not provided. Allele origin: not provided. Not counted in ClinVar's aggregate classification.

Literature cited by the submitters: PubMed 19158810 (cited by 3billion and Labcorp Genetics (formerly Invitae), Labcorp); PubMed 12566280 (cited by 3billion and Labcorp Genetics (formerly Invitae), Labcorp); PubMed 15282209 (cited by 3billion); PubMed 30734407 (cited by 3billion).